The following is an entry in ClinVar:

NM_172364.5(CACNA2D4):c.838G>A (p.Gly280Ser)

Gene: CACNA2D4 (calcium voltage-gated channel auxiliary subunit alpha2delta 4; minus strand). Cytogenetic location: 12p13.33.
Variant type: single nucleotide variant.
Coding change: c.838G>A on transcript NM_172364.5 (MANE Select); coding-DNA position 838, G replaced by A.
Protein change: p.Gly280Ser; replaces glycine 280 with serine.
Molecular consequence: missense variant.
Genome position (GRCh38, 1-based): chr12:1,887,013, C>T on the plus strand (G>A on the coding strand, the complement: CACNA2D4 is on the minus strand). VCF-style: chr12-1887013-C-T. GRCh37 (hg19) VCF-style: chr12-1996179-C-T.
Other names: short protein forms G280S.
Identifiers: ClinVar variation 1382172 (VCV001382172.6), dbSNP rs774106563, ClinGen allele CA6387398.

ClinVar aggregate classification (germline): Uncertain significance (1 of 4 stars; one submission).

Allele frequency attached by ClinVar (database versions not stated): gnomAD exomes 0.00002 and 0.00005; ExAC 0.00004; TOPMed 0.00005.
gnomAD v4.1: 33 of 1,587,094 alleles (0.0021%); highest among the groups gnomAD compares: Middle Eastern, 0.033%; no homozygotes.

Submission:

Labcorp Genetics (formerly Invitae), Labcorp
Classification: Uncertain significance. Last evaluated: 2024-10-22. Review status: criteria provided, single submitter. Criteria: Invitae Variant Classification Sherloc (09022015). Collection method: clinical testing. Allele origin: germline.
Comment: This sequence change replaces glycine, which is neutral and non-polar, with serine, which is neutral and polar, at codon 280 of the CACNA2D4 protein (p.Gly280Ser). The frequency data for this variant in the population databases is considered unreliable, as metrics indicate poor data quality at this position in the gnomAD database. This variant has not been reported in the literature in individuals affected with CACNA2D4-related conditions. ClinVar contains an entry for this variant (Variation ID: 1382172). An algorithm developed to predict the effect of missense changes on protein structure and function (PolyPhen-2) suggests that this variant is likely to be tolerated. In summary, the available evidence is currently insufficient to determine the role of this variant in disease. Therefore, it has been classified as a Variant of Uncertain Significance.